The following is an entry in ClinVar:

NM_006231.4(POLE):c.1603G>C (p.Asp535His)

Gene: POLE (DNA polymerase epsilon, catalytic subunit; minus strand). Cytogenetic location: 12q24.33.
Variant type: single nucleotide variant.
Coding change: c.1603G>C on transcript NM_006231.4 (MANE Select); coding-DNA position 1603, G replaced by C.
Protein change: p.Asp535His; replaces aspartic acid 535 with histidine.
Molecular consequence: missense variant.
Genome position (GRCh38, 1-based): chr12:132,672,710, C>G on the plus strand (G>C on the coding strand, the complement: POLE is on the minus strand). VCF-style: chr12-132672710-C-G. GRCh37 (hg19) VCF-style: chr12-133249296-C-G.
Other names: short protein forms D535H.
Identifiers: ClinVar variation 2625230 (VCV002625230.2), dbSNP rs2042958349, ClinGen allele CA387356831.

ClinVar aggregate classification (germline): Uncertain significance (1 of 4 stars; one submission).

Conditions:
Hereditary cancer-predisposing syndrome. Also called: Tumor predisposition; Hereditary Cancer Syndrome; Hereditary neoplastic syndrome; Neoplastic Syndromes, Hereditary. Identifiers: Orphanet 140162, MedGen C0027672, MeSH D009386, MONDO:0015356.

gnomAD v4.1: 1 of 1,614,170 alleles (0.000062%); highest among the groups gnomAD compares: Non-Finnish European, 0.000085%; no homozygotes.

Submission:

Ambry Genetics
Classification: Uncertain significance for Hereditary cancer-predisposing syndrome. Last evaluated: 2023-07-04. Review status: criteria provided, single submitter. Criteria: Ambry Variant Classification Scheme 2023. Collection method: clinical testing. Allele origin: germline.
Comment: The p.D535H variant (also known as c.1603G>C), located in coding exon 15 of the POLE gene, results from a G to C substitution at nucleotide position 1603. The aspartic acid at codon 535 is replaced by histidine, an amino acid with similar properties. This amino acid position is conserved. In addition, the in silico prediction for this alteration is inconclusive. Since supporting evidence is limited at this time, the clinical significance of this alteration remains unclear.